The following is an entry in ClinVar:

NM_032898.5(CEP19):c.248G>A (p.Gly83Glu)

Gene: CEP19 (centrosomal protein 19; minus strand). Cytogenetic location: 3q29.
Variant type: single nucleotide variant.
Coding change: c.248G>A on transcript NM_032898.5 (MANE Select); coding-DNA position 248, G replaced by A.
Protein change: p.Gly83Glu; replaces glycine 83 with glutamic acid.
Molecular consequence: missense variant.
Genome position (GRCh38, 1-based): chr3:196,707,795, C>T on the plus strand (G>A on the coding strand, the complement: CEP19 is on the minus strand). VCF-style: chr3-196707795-C-T. GRCh37 (hg19) VCF-style: chr3-196434666-C-T.
Other names: c.143G>A, p.Gly48Glu (NM_001379468.1); c.248G>A, p.Gly83Glu (NM_001379469.1, NM_001379470.1); short protein forms G48E, G83E.
Identifiers: ClinVar variation 1450696 (VCV001450696.6), dbSNP rs756801863, ClinGen allele CA355634439.

ClinVar aggregate classification (germline): Uncertain significance (1 of 4 stars; one submission).

Submission:

Labcorp Genetics (formerly Invitae), Labcorp
Classification: Uncertain significance. Last evaluated: 2023-08-04. Review status: criteria provided, single submitter. Criteria: Invitae Variant Classification Sherloc (09022015). Collection method: clinical testing. Allele origin: germline.
Comment: In summary, the available evidence is currently insufficient to determine the role of this variant in disease. Therefore, it has been classified as a Variant of Uncertain Significance. An algorithm developed to predict the effect of missense changes on protein structure and function (PolyPhen-2) suggests that this variant is likely to be disruptive. ClinVar contains an entry for this variant (Variation ID: 1450696). This variant has not been reported in the literature in individuals affected with CEP19-related conditions. This variant is not present in population databases (gnomAD no frequency). This sequence change replaces glycine, which is neutral and non-polar, with glutamic acid, which is acidic and polar, at codon 87 of the CEP19 protein (p.Gly87Glu).